The following is an entry in ClinVar:

ClinVar aggregate classification (germline): Likely benign (1 of 4 stars; one submission).

Conditions:
FG syndrome 1 (OKS). Also called: OPITZ-KAVEGGIA SYNDROME; KELLER SYNDROME; MENTAL RETARDATION, LARGE HEAD, IMPERFORATE ANUS, CONGENITAL HYPOTONIA, AND PARTIAL AGENESIS OF CORPUS CALLOSUM; FG Syndrome Type 1 (FGS1). Identifiers: Orphanet 93932, MedGen C5399762, MONDO:0010590, OMIM 305450.

Submission:

MVZ Praenatalmedizin und Genetik Nuernberg
Classification: Likely benign for FG syndrome 1. Last evaluated: 2022-07-26. Review status: criteria provided, single submitter. Criteria: ACMG Guidelines, 2015. Collection method: clinical testing. Allele origin: maternal. Affected: yes.
Comment: In silico predictions suggest a possible pathogenic effect. This variant was therefore classified as likely benign.

NM_005120.3(MED12):c.260C>T (p.Pro87Leu)

Gene: MED12 (mediator complex subunit 12; plus strand). Cytogenetic location: Xq13.1.
Variant type: single nucleotide variant.
Coding change: c.260C>T on transcript NM_005120.3 (MANE Select); coding-DNA position 260, C replaced by T.
Protein change: p.Pro87Leu; replaces proline 87 with leucine.
Molecular consequence: missense variant.
Genome position (GRCh38, 1-based): chrX:71,119,741, C>T. VCF-style: chrX-71119741-C-T. GRCh37 (hg19) VCF-style: chrX-70339591-C-T.
Other names: short protein forms P87L.
Identifiers: ClinVar variation 4813477 (VCV004813477.1).
Genomic context (GRCh38, chrX:71,119,741, plus strand): 5'-CTCAGATCAGTTCCAACTTCAGCAGCATTATTGCAGAGAAATTACGTTGTAATACCCTTC[C>T]TGACACTGGTCGCAGGAAGCCCCAAGTGAACCAGAAGGATAACTTCTGGCTGGTGACTGC-3'
Protein context (NP_005111.2, residues 77-97): IAEKLRCNTL[Pro87Leu]DTGRRKPQVN